The following is an entry in ClinVar:

ClinVar aggregate classification (germline): Uncertain significance (1 of 4 stars; one submission).

Conditions:
ERBB3-related disorder. Also called: ERBB3-related condition.

gnomAD v4.1: 3 of 1,612,976 alleles (0.00019%); highest among the groups gnomAD compares: African/African-American, 0.0013%; no homozygotes.

Submission:

PreventionGenetics, part of Exact Sciences
Classification: Uncertain significance for ERBB3-related condition. Last evaluated: 2024-11-03. Review status: criteria provided, single submitter. Criteria: ACMG Guidelines, 2015. Collection method: clinical testing. Allele origin: germline.
Comment: The ERBB3 c.2615A>C variant is predicted to result in the amino acid substitution p.Lys872Thr. To our knowledge, this variant has not been reported in the literature or in a large population database (gnomAD), indicating this variant is rare. At this time, the clinical significance of this variant is uncertain due to the absence of conclusive functional and genetic evidence.

NM_001982.4(ERBB3):c.2615A>C (p.Lys872Thr)

Gene: ERBB3 (erb-b2 receptor tyrosine kinase 3; plus strand). Cytogenetic location: 12q13.2.
Variant type: single nucleotide variant.
Coding change: c.2615A>C on transcript NM_001982.4 (MANE Select); coding-DNA position 2615, A replaced by C.
Protein change: p.Lys872Thr; replaces lysine 872 with threonine.
Molecular consequence: missense variant.
Genome position (GRCh38, 1-based): chr12:56,097,939, A>C. VCF-style: chr12-56097939-A-C. GRCh37 (hg19) VCF-style: chr12-56491723-A-C.
Other names: short protein forms K872T.
Identifiers: ClinVar variation 4986630 (VCV004986630.1).
Genomic context (GRCh38, chr12:56,097,939, plus strand): 5'-ATTTTGGTGTGGCTGACCTGCTGCCTCCTGATGATAAGCAGCTGCTATACAGTGAGGCCA[A>C]GGTGAGGAGACACAAAGGGTAAGGAGGCGGGGGTGGAGTGAAGCATGGGGATAGGGAGCA-3'
Protein context (NP_001973.2, residues 862-882): DDKQLLYSEA[Lys872Thr]TPIKWMALES